The following is an entry in ClinVar:

ClinVar aggregate classification (germline): Uncertain significance. Review status: criteria provided, multiple submitters, no conflicts (2 of 4 stars). 2 submissions from 2 submitters: Uncertain significance (2). Last evaluated 2025-06-23.

Conditions:
RASopathy. Also called: rasopathies; Noonan spectrum disorder. Identifiers: Orphanet 536391, MedGen C5555857, MONDO:0021060.

Allele frequency attached by ClinVar (database versions not stated): TOPMed below 0.00001; gnomAD exomes 0.00001.
gnomAD v4.1: 7 of 1,614,054 alleles (0.00043%); highest among the groups gnomAD compares: East Asian, 0.0022%; no homozygotes.

Submissions (2):

Revvity Omics, Revvity
Classification: Uncertain significance. Last evaluated: 2025-06-23. Review status: criteria provided, single submitter. Criteria: ACMG Guidelines, 2015. Collection method: clinical testing. Allele origin: germline.

Labcorp Genetics (formerly Invitae), Labcorp
Classification: Uncertain significance for RASopathy. Last evaluated: 2025-01-13. Review status: criteria provided, single submitter. Criteria: Invitae Variant Classification Sherloc (09022015). Collection method: clinical testing. Allele origin: germline.
Comment: This sequence change replaces threonine, which is neutral and polar, with methionine, which is neutral and non-polar, at codon 640 of the CBL protein (p.Thr640Met). This variant is not present in population databases (gnomAD no frequency). This variant has not been reported in the literature in individuals affected with CBL-related conditions. ClinVar contains an entry for this variant (Variation ID: 2194595). Invitae Evidence Modeling of protein sequence and biophysical properties (such as structural, functional, and spatial information, amino acid conservation, physicochemical variation, residue mobility, and thermodynamic stability) indicates that this missense variant is not expected to disrupt CBL protein function with a negative predictive value of 95%. In summary, the available evidence is currently insufficient to determine the role of this variant in disease. Therefore, it has been classified as a Variant of Uncertain Significance.

NM_005188.4(CBL):c.1919C>T (p.Thr640Met)

Gene: CBL (Cbl proto-oncogene; plus strand). Cytogenetic location: 11q23.3.
Variant type: single nucleotide variant.
Coding change: c.1919C>T on transcript NM_005188.4 (MANE Select); coding-DNA position 1919, C replaced by T.
Protein change: p.Thr640Met; replaces threonine 640 with methionine.
Molecular consequence: missense variant.
Genome position (GRCh38, 1-based): chr11:119,285,544, C>T. VCF-style: chr11-119285544-C-T. GRCh37 (hg19) VCF-style: chr11-119156254-C-T.
Other names: short protein forms T640M.
Identifiers: ClinVar variation 2194595 (VCV002194595.5), dbSNP rs1263873227, ClinGen allele CA382920980.